The following is an entry in ClinVar:

NM_138691.3(TMC1):c.1885G>A (p.Ala629Thr)

Gene: TMC1 (transmembrane channel like 1; plus strand). Cytogenetic location: 9q21.13.
Variant type: single nucleotide variant.
Coding change: c.1885G>A on transcript NM_138691.3 (MANE Select); coding-DNA position 1885, G replaced by A.
Protein change: p.Ala629Thr; replaces alanine 629 with threonine.
Molecular consequence: missense variant.
Genome position (GRCh38, 1-based): chr9:72,820,963, G>A. VCF-style: chr9-72820963-G-A. GRCh37 (hg19) VCF-style: chr9-75435879-G-A.
Other names: short protein forms A629T.
Identifiers: ClinVar variation 4975243 (VCV004975243.1).

ClinVar aggregate classification (germline): Uncertain significance (1 of 4 stars; one submission).

Submission:

GeneDx
Classification: Uncertain significance. Last evaluated: 2026-01-23. Review status: criteria provided, single submitter. Criteria: GeneDx Variant Classification Process June 2021. Collection method: clinical testing. Allele origin: germline.
Comment: Not observed at significant frequency in large population cohorts (gnomAD); In silico analysis supports that this missense variant has a deleterious effect on protein structure/function; Has not been previously published as pathogenic or benign to our knowledge